The following is an entry in ClinVar:

NM_020436.5(SALL4):c.2806G>A (p.Glu936Lys)

Gene: SALL4 (spalt like transcription factor 4; minus strand). Cytogenetic location: 20q13.2.
Variant type: single nucleotide variant.
Coding change: c.2806G>A on transcript NM_020436.5 (MANE Select); coding-DNA position 2806, G replaced by A.
Protein change: p.Glu936Lys; replaces glutamic acid 936 with lysine.
Molecular consequence: missense variant.
Genome position (GRCh38, 1-based): chr20:51,784,621, C>T on the plus strand (G>A on the coding strand, the complement: SALL4 is on the minus strand). VCF-style: chr20-51784621-C-T. GRCh37 (hg19) VCF-style: chr20-50401160-C-T.
Other names: c.1495G>A, p.Glu499Lys (NM_001318031.2); short protein forms E499K, E936K.
Identifiers: ClinVar variation 1312216 (VCV001312216.3), dbSNP rs771797918, ClinGen allele CA9911995.

ClinVar aggregate classification (germline): Uncertain significance (1 of 4 stars; one submission).

Allele frequency attached by ClinVar (database versions not stated): gnomAD exomes below 0.00001; ExAC 0.00001; TOPMed 0.00001.

Submission:

GeneDx
Classification: Uncertain significance. Last evaluated: 2024-09-19. Review status: criteria provided, single submitter. Criteria: GeneDx Variant Classification Process June 2021. Collection method: clinical testing. Allele origin: germline. Affected: yes.
Comment: Not observed at a significant frequency in large population cohorts (gnomAD); In silico analysis, which includes protein predictors and evolutionary conservation, supports a deleterious effect; Has not been previously published as pathogenic or benign to our knowledge